The following is an entry in ClinVar:

NM_001129.5(AEBP1):c.1387G>A (p.Asp463Asn)

Gene: AEBP1 (AE binding protein 1; plus strand). Cytogenetic location: 7p13.
Variant type: single nucleotide variant.
Coding change: c.1387G>A on transcript NM_001129.5 (MANE Select); coding-DNA position 1387, G replaced by A.
Protein change: p.Asp463Asn; replaces aspartic acid 463 with asparagine.
Molecular consequence: missense variant.
Genome position (GRCh38, 1-based): chr7:44,110,333, G>A. VCF-style: chr7-44110333-G-A. GRCh37 (hg19) VCF-style: chr7-44149932-G-A.
Other names: short protein forms D463N.
Identifiers: ClinVar variation 3768771 (VCV003768771.1).

ClinVar aggregate classification (germline): Uncertain significance (1 of 4 stars; one submission).

gnomAD v4.1: 2 of 1,613,696 alleles (0.00012%); highest among the groups gnomAD compares: Non-Finnish European, 0.00017%; no homozygotes.

Submission:

Women's Health and Genetics/Laboratory Corporation of America, LabCorp
Classification: Uncertain significance. Last evaluated: 2025-02-04. Review status: criteria provided, single submitter. Criteria: LabCorp Variant Classification Summary - May 2015. Collection method: clinical testing. Allele origin: germline.
Comment: Variant summary: AEBP1 c.1387G>A (p.Asp463Asn) results in a conservative amino acid change located in the Coagulation factor 5/8 C-terminal domain, discoidin domain (IPR000421) of the encoded protein sequence. Three of five in-silico tools predict a benign effect of the variant on protein function. The variant allele was found at a frequency of 4e-06 in 250832 control chromosomes. The available data on variant occurrences in the general population are insufficient to allow any conclusion about variant significance. To our knowledge, no occurrence of c.1387G>A in individuals affected with Ehlers-Danlos syndrome, classic-like, 2 and no experimental evidence demonstrating its impact on protein function have been reported. No submitters have cited clinical-significance assessments for this variant to ClinVar. Based on the evidence outlined above, the variant was classified as uncertain significance.